The following is an entry in ClinVar:

NM_001369.3(DNAH5):c.2578-10_2578-7del

Genes: DNAH5 (dynein axonemal heavy chain 5; minus strand), DNAH5-AS1 (DNAH5 antisense RNA 1; plus strand). Cytogenetic location: 5p15.2.
Variant type: Deletion.
Coding change: c.2578-10_2578-7del on transcript NM_001369.3 (MANE Select); 10 bases into the intron before coding-DNA position 2578 through 7 bases into the intron before coding-DNA position 2578, 4 bases deleted (TTTT; older notation c.2578-10_2578-7delTTTT).
Molecular consequence: intron variant.
Genome position (GRCh38, 1-based): chr5:13,886,136-13,886,139, AAAA deleted on the plus strand (TTTT on the coding strand, the reverse complement: DNAH5 is on the minus strand); deleting any 4 consecutive bases within chr5:13,886,136-13,886,154 gives the same sequence; the c. name uses the placement nearest the transcript's 3' end. VCF-style (leftmost placement, unchanged base first): chr5-13886135-CAAAA-C. GRCh37 (hg19) VCF-style: chr5-13886244-CAAAA-C.
Other names: p.?; c.2578-10_2578-7delTTTT (NM_001369.2); c.2578-10_2578-7del (NM_001369.2).
Identifiers: ClinVar variation 402730 (VCV000402730.11), dbSNP rs71600031, ClinGen allele CA3204536.
Genomic context (GRCh38, chr5:13,886,135, plus strand): 5'-CCTCCACTAATGAGCTTTTAAAATGTAGTATTTGTGCACCATTTACACAAAGATCCTAAC[CAAAA>C]AAAAAAAAAAAAAAAGATAGCACAGTGGTATATGGTTTATCTAGCTTTTGAGAGCACAGA-3'

ClinVar aggregate classification (germline): Benign/Likely benign. Review status: criteria provided, multiple submitters, no conflicts (2 of 4 stars). 5 submissions from 5 submitters: Benign (2); Likely benign (2). 1 of the submissions does not count toward it. Last evaluated 2023-10-11.

Conditions:
Primary ciliary dyskinesia. Also called: Ciliary dyskinesia. Identifiers: Orphanet 244, MedGen C0008780, MONDO:0016575, HP:0012265.

Submissions (5):

Mayo Clinic Laboratories, Mayo Clinic
Classification: Benign. Last evaluated: 2023-10-11. Review status: criteria provided, single submitter. Criteria: ACMG Guidelines, 2015. Collection method: clinical testing. Allele origin: germline. Observed: 10 variant alleles.
Comment: BS1, BS2

GeneDx
Classification: Likely benign. Last evaluated: 2019-08-24. Review status: criteria provided, single submitter. Criteria: GeneDx Variant Classification Process June 2021. Collection method: clinical testing. Allele origin: germline. Affected: yes.

Labcorp Genetics (formerly Invitae), Labcorp
Classification: Benign. Last evaluated: 2018-07-02. Review status: criteria provided, single submitter. Criteria: Invitae Variant Classification Sherloc (09022015). Collection method: clinical testing. Allele origin: germline.

Laboratory for Molecular Medicine, Mass General Brigham Personalized Medicine
Classification: Likely benign. Last evaluated: 2016-03-28. Review status: criteria provided, single submitter. Criteria: LMM Criteria. Collection method: clinical testing. Allele origin: germline.
Comment: Variant identified in a genome or exome case(s) and assessed due to predicted null impact of the variant or pathogenic assertions in the literature or databases. Disclaimer: This variant has not undergone full assessment. The following are preliminary notes: Frequency, No homozygotes in ExAC, but on the low side of coverage. Gene is associated with PCD.

Natera, Inc.
Classification: Benign for Primary ciliary dyskinesia. Last evaluated: 2019-09-27. Review status: no assertion criteria provided. Collection method: clinical testing. Allele origin: germline. Not counted in ClinVar's aggregate classification.